The following is an entry in ClinVar:

NM_001365276.2(TNXB):c.326T>G (p.Ile109Ser)

Gene: TNXB (tenascin XB; minus strand). Cytogenetic location: 6p21.33.
Variant type: single nucleotide variant.
Coding change: c.326T>G on transcript NM_001365276.2 (MANE Select); coding-DNA position 326, T replaced by G.
Protein change: p.Ile109Ser; replaces isoleucine 109 with serine.
Molecular consequence: missense variant.
Genome position (GRCh38, 1-based): chr6:32,097,873, A>C on the plus strand (T>G on the coding strand, the complement: TNXB is on the minus strand). VCF-style: chr6-32097873-A-C. GRCh37 (hg19) VCF-style: chr6-32065650-A-C.
Other names: c.326T>G, p.Ile109Ser (NM_019105.8); short protein forms I109S.
Identifiers: ClinVar variation 1729617 (VCV001729617.2), dbSNP rs2483770767, ClinGen allele CA363491641.

ClinVar aggregate classification (germline): Uncertain significance (1 of 4 stars; one submission).

Conditions:
Cardiovascular phenotype. Identifiers: MedGen CN230736.

Allele frequency attached by ClinVar (database versions not stated): gnomAD exomes below 0.00001.
gnomAD v4.1: 1 of 1,556,220 alleles (0.000064%); highest among the groups gnomAD compares: Non-Finnish European, 0.000087%; no homozygotes.

Submission:

Ambry Genetics
Classification: Uncertain significance for Cardiovascular phenotype. Last evaluated: 2024-01-23. Review status: criteria provided, single submitter. Criteria: Ambry Variant Classification Scheme 2023. Collection method: clinical testing. Allele origin: germline.
Comment: The p.I109S variant (also known as c.326T>G), located in coding exon 1 of the TNXB gene, results from a T to G substitution at nucleotide position 326. The isoleucine at codon 109 is replaced by serine, an amino acid with dissimilar properties. This amino acid position is conserved. In addition, the in silico prediction for this alteration is inconclusive. Since supporting evidence is limited at this time, the clinical significance of this alteration remains unclear.